The following is an entry in ClinVar:

NM_002471.4(MYH6):c.4747G>A (p.Glu1583Lys)

Genes: MYH6 (myosin heavy chain 6; minus strand), LOC126861896 (BRD4-independent group 4 enhancer GRCh37_chr14:23854904-23856103; plus strand). Cytogenetic location: 14q11.2.
Variant type: single nucleotide variant.
Coding change: c.4747G>A on transcript NM_002471.4 (MANE Select); coding-DNA position 4747, G replaced by A.
Protein change: p.Glu1583Lys; replaces glutamic acid 1583 with lysine.
Molecular consequence: missense variant.
Genome position (GRCh38, 1-based): chr14:23,386,527, C>T on the plus strand (G>A on the coding strand, the complement: MYH6 is on the minus strand). VCF-style: chr14-23386527-C-T. GRCh37 (hg19) VCF-style: chr14-23855736-C-T.
Other names: short protein forms E1583K.
Identifiers: ClinVar variation 44518 (VCV000044518.20), dbSNP rs397516771, ClinGen allele CA134422.
Genomic context (GRCh38, chr14:23,386,527, plus strand): 5'-GGGAGGTCTGCAGCGAGTCCACCACCCGCTGGTGGTTGCGCTTGGCCTGTTCCATCTCCT[C>T]GTCCTTCTCTGCCAGCTTCCGCTCGATCTCTGCCTTGATCTGGTTGAACTCTAGCTGGGC-3'
Protein context (NP_002462.2, residues 1573-1593): EIERKLAEKD[Glu1583Lys]EMEQAKRNHQ

ClinVar aggregate classification (germline): Uncertain significance. Review status: criteria provided, multiple submitters, no conflicts (2 of 4 stars). 6 submissions from 6 submitters: Uncertain significance (6). Last evaluated 2025-08-29.

Conditions:
MYH6-related disorder. Also called: MYH6-Related Disorders; MYH6-related condition.
Atrial septal defect 3 (ASD3). Identifiers: Orphanet 1478, MedGen C3279790, MONDO:0013567, OMIM 614089.
Hypertrophic cardiomyopathy 1 (CMH1). Also called: Familial hypertrophic cardiomyopathy 1; MYH7-Related Familial Hypertrophic Cardiomyopathy. Identifiers: MedGen C3495498, MONDO:0008647, OMIM 192600.
Dilated cardiomyopathy 1EE (CMD1EE). Identifiers: Orphanet 154, MedGen C2750466, MONDO:0013198, OMIM 613252.
Hypertrophic cardiomyopathy 14. Identifiers: MedGen C2750467, MONDO:0013197, OMIM 613251.
Sick sinus syndrome 3, susceptibility to (SSS3). Identifiers: Orphanet 166282, MedGen C3279791, MONDO:0013568, OMIM 614090.
Cardiovascular phenotype. Identifiers: MedGen CN230736.

Allele frequency attached by ClinVar (database versions not stated): ExAC 0.00006; gnomAD 0.00006 and 0.00008; gnomAD exomes 0.00004; TOPMed 0.00004.
gnomAD v4.1: 67 of 1,614,132 alleles (0.0042%); highest among the groups gnomAD compares: South Asian, 0.012%; no homozygotes.

Submissions (6):

Labcorp Genetics (formerly Invitae), Labcorp
Classification: Uncertain significance for Hypertrophic cardiomyopathy 14. Last evaluated: 2025-08-29. Review status: criteria provided, single submitter. Criteria: Invitae Variant Classification Sherloc (09022015). Collection method: clinical testing. Allele origin: germline.
Comment: This sequence change replaces glutamic acid, which is acidic and polar, with lysine, which is basic and polar, at codon 1583 of the MYH6 protein (p.Glu1583Lys). This variant is present in population databases (rs397516771, gnomAD 0.01%). This variant has not been reported in the literature in individuals affected with MYH6-related conditions. ClinVar contains an entry for this variant (Variation ID: 44518). Invitae Evidence Modeling of protein sequence and biophysical properties (such as structural, functional, and spatial information, amino acid conservation, physicochemical variation, residue mobility, and thermodynamic stability) indicates that this missense variant is expected to disrupt MYH6 protein function with a positive predictive value of 80%. In summary, the available evidence is currently insufficient to determine the role of this variant in disease. Therefore, it has been classified as a Variant of Uncertain Significance.

PreventionGenetics, part of Exact Sciences
Classification: Uncertain significance for MYH6-related condition. Last evaluated: 2025-06-08. Review status: criteria provided, single submitter. Criteria: ACMG Guidelines, 2015. Collection method: clinical testing. Allele origin: germline.
Comment: The MYH6 c.4747G>A variant is predicted to result in the amino acid substitution p.Glu1583Lys. To our knowledge, this variant has not been reported in the literature. This variant is reported in 0.016% of alleles in individuals of South Asian descent in gnomAD. At this time, the clinical significance of this variant is uncertain due to the absence of conclusive functional and genetic evidence.

GeneDx
Classification: Uncertain significance. Last evaluated: 2024-03-04. Review status: criteria provided, single submitter. Criteria: GeneDx Variant Classification Process June 2021. Collection method: clinical testing. Allele origin: germline. Affected: yes.
Comment: Has not been previously published as pathogenic or benign to our knowledge; In silico analysis supports that this missense variant has a deleterious effect on protein structure/function

Fulgent Genetics
Classification: Uncertain significance for Hypertrophic cardiomyopathy 1; Hypertrophic cardiomyopathy 14; Dilated cardiomyopathy 1EE; Atrial septal defect 3; Sick sinus syndrome 3, susceptibility to. Last evaluated: 2021-07-23. Review status: criteria provided, single submitter. Criteria: ACMG Guidelines, 2015. Collection method: clinical testing. Allele origin: unknown.

Ambry Genetics
Classification: Uncertain significance for Cardiovascular phenotype. Last evaluated: 2020-12-02. Review status: criteria provided, single submitter. Criteria: Ambry General Variant Classification Scheme_2022. Collection method: clinical testing. Allele origin: germline. Observed: 1 variant allele.
Comment: The p.E1583K variant (also known as c.4747G>A), located in coding exon 31 of the MYH6 gene, results from a G to A substitution at nucleotide position 4747. The glutamic acid at codon 1583 is replaced by lysine, an amino acid with similar properties. This amino acid position is highly conserved in available vertebrate species. In addition, the in silico prediction for this alteration is inconclusive. Since supporting evidence is limited at this time, the clinical significance of this alteration remains unclear.

Laboratory for Molecular Medicine, Mass General Brigham Personalized Medicine
Classification: Uncertain significance. Last evaluated: 2012-03-16. Review status: criteria provided, single submitter. Criteria: LMM Criteria. Collection method: clinical testing. Allele origin: germline. Observed: 1 variant allele.
Comment: The Glu1583Lys variant in MYH6 has not been reported in the literature nor previ ously identified by our laboratory. Glutamic acid at position 1583 is conserved in evolution, suggesting that a change would impact the protein and computationa l predictions (AlignGVGD, PolyPhen2, and SIFT) also favor a deleterious role. H owever, this information is not predictive enough to assume pathogenicity. Addit ional information is needed to fully assess the clinical significance of the Glu 1583Lys variant.

Literature cited by the submitters: PubMed 29420653 (cited by Ambry Genetics).